The following is an entry in ClinVar:

ClinVar aggregate classification (germline): Uncertain significance. Review status: criteria provided, multiple submitters, no conflicts (2 of 4 stars). 2 submissions from 2 submitters: Uncertain significance (2). Last evaluated 2025-08-02.

Conditions:
Inborn genetic diseases. Identifiers: MedGen C0950123, MeSH D030342.

Allele frequency attached by ClinVar (database versions not stated): gnomAD exomes below 0.00001; gnomAD 0.00001.
gnomAD v4.1: 6 of 1,613,620 alleles (0.00037%); highest among the groups gnomAD compares: Middle Eastern, 0.033%; no homozygotes.

Submissions (2):

Ambry Genetics
Classification: Uncertain significance for Inborn genetic diseases. Last evaluated: 2025-08-02. Review status: criteria provided, single submitter. Criteria: Ambry Variant Classification Scheme 2023. Collection method: clinical testing. Allele origin: germline.

Labcorp Genetics (formerly Invitae), Labcorp
Classification: Uncertain significance. Last evaluated: 2021-12-28. Review status: criteria provided, single submitter. Criteria: Invitae Variant Classification Sherloc (09022015). Collection method: clinical testing. Allele origin: germline.
Comment: This sequence change replaces proline, which is neutral and non-polar, with leucine, which is neutral and non-polar, at codon 90 of the PNPT1 protein (p.Pro90Leu). This variant is present in population databases (no rsID available, gnomAD 0.003%). This variant has not been reported in the literature in individuals affected with PNPT1-related conditions. Advanced modeling of protein sequence and biophysical properties (such as structural, functional, and spatial information, amino acid conservation, physicochemical variation, residue mobility, and thermodynamic stability) performed at Invitae indicates that this missense variant is not expected to disrupt PNPT1 protein function. In summary, the available evidence is currently insufficient to determine the role of this variant in disease. Therefore, it has been classified as a Variant of Uncertain Significance.

NM_033109.5(PNPT1):c.269C>T (p.Pro90Leu)

Gene: PNPT1 (polyribonucleotide nucleotidyltransferase 1; minus strand). Cytogenetic location: 2p16.1.
Variant type: single nucleotide variant.
Coding change: c.269C>T on transcript NM_033109.5 (MANE Select); coding-DNA position 269, C replaced by T.
Protein change: p.Pro90Leu; replaces proline 90 with leucine.
Molecular consequence: missense variant.
Genome position (GRCh38, 1-based): chr2:55,686,398, G>A on the plus strand (C>T on the coding strand, the complement: PNPT1 is on the minus strand). VCF-style: chr2-55686398-G-A. GRCh37 (hg19) VCF-style: chr2-55913533-G-A.
Other names: c.269C>T (NM_033109.3); short protein forms P90L.
Identifiers: ClinVar variation 1950036 (VCV001950036.3), dbSNP rs889352211, ClinGen allele CA47666360.
Genomic context (GRCh38, chr2:55,686,398, plus strand): 5'-ATTACAGTTCAGATAAATCAGCAAATACTTACCACCAAAGGCATAAACTGGGAAGGGGAA[G>A]GTTTTGTTTTACTGACCGCTGTGACCATTACTGCAGTGTCACCTGACTTAAACATAAAGA-3'
Protein context (NP_149100.2, residues 80-100): VMVTAVSKTK[Pro90Leu]SPSQFMPLVV